The following is an entry in ClinVar:

ClinVar aggregate classification (germline): Uncertain significance (1 of 4 stars; one submission).

Conditions:
PEX6-related disorder. Also called: PEX6-related disorders; PEX6-related condition.

Submission:

PreventionGenetics, part of Exact Sciences
Classification: Uncertain significance for PEX6-related condition. Last evaluated: 2026-03-07. Review status: criteria provided, single submitter. Criteria: ACMG Guidelines, 2015. Collection method: clinical testing. Allele origin: germline.
Comment: The PEX6 c.2437G>A variant is predicted to result in the amino acid substitution p.Gly813Arg. To our knowledge, this variant has not been reported in the literature or in a large population database (gnomAD), indicating this variant is rare. At this time, the clinical significance of this variant is uncertain due to the absence of conclusive functional and genetic evidence.

NM_000287.4(PEX6):c.2437G>A (p.Gly813Arg)

Gene: PEX6 (peroxisomal biogenesis factor 6; minus strand). Cytogenetic location: 6p21.1.
Variant type: single nucleotide variant.
Coding change: c.2437G>A on transcript NM_000287.4 (MANE Select); coding-DNA position 2437, G replaced by A.
Protein change: p.Gly813Arg; replaces glycine 813 with arginine.
Molecular consequence: missense variant. On other transcripts: non-coding transcript variant (1).
Genome position (GRCh38, 1-based): chr6:42,965,715, C>T on the plus strand (G>A on the coding strand, the complement: PEX6 is on the minus strand). VCF-style: chr6-42965715-C-T. GRCh37 (hg19) VCF-style: chr6-42933453-C-T.
Other names: c.2173G>A, p.Gly725Arg (NM_001316313.2); short protein forms G725R, G813R.
Identifiers: ClinVar variation 4993162 (VCV004993162.1).
Genomic context (GRCh38, chr6:42,965,715, plus strand): 5'-GCTTTCATTCCCACTCAGACCCCTACCTGTCCATCACTCCTCCAGAATCTCCACTTCGCC[C>T]CCGGCTTGGGGCCAAAGAGTCCAGTTCATCAAAGAAGATAATGCATGGAGCTGCAGCCCT-3'
Protein context (NP_000278.3, residues 803-823): DELDSLAPSR[Gly813Arg]RSGDSGGVMD